The following is an entry in ClinVar:

NM_014314.4(RIGI):c.153G>A (p.Met51Ile)

Gene: RIGI (RNA sensor RIG-I; minus strand). Cytogenetic location: 9p21.1.
Variant type: single nucleotide variant.
Coding change: c.153G>A on transcript NM_014314.4 (MANE Select); coding-DNA position 153, G replaced by A.
Protein change: p.Met51Ile; replaces methionine 51 with isoleucine.
Molecular consequence: missense variant. On other transcripts: 5 prime UTR variant (3).
Genome position (GRCh38, 1-based): chr9:32,500,893, C>T on the plus strand (G>A on the coding strand, the complement: RIGI is on the minus strand). VCF-style: chr9-32500893-C-T. GRCh37 (hg19) VCF-style: chr9-32500891-C-T.
Other names: c.153G>A, p.Met51Ile (NM_001385907.1, NM_001385909.1, NM_001385913.1); c.-302G>A (NM_001385910.1, NM_001385914.1); c.-309G>A (NM_001385912.1); short protein forms M51I.
Identifiers: ClinVar variation 4749806 (VCV004749806.1).

ClinVar aggregate classification (germline): Uncertain significance (1 of 4 stars; one submission).

gnomAD v4.1: 1 of 1,614,172 alleles (0.000062%); highest among the groups gnomAD compares: Non-Finnish European, 0.000085%; no homozygotes.

Submission:

Labcorp Genetics (formerly Invitae), Labcorp
Classification: Uncertain significance. Last evaluated: 2025-11-06. Review status: criteria provided, single submitter. Criteria: Invitae Variant Classification Sherloc (09022015). Collection method: clinical testing. Allele origin: germline.
Comment: This sequence change replaces methionine, which is neutral and non-polar, with isoleucine, which is neutral and non-polar, at codon 51 of the DDX58 protein (p.Met51Ile). This variant is not present in population databases (gnomAD no frequency). This variant has not been reported in the literature in individuals affected with DDX58-related conditions. An algorithm developed to predict the effect of missense changes on protein structure and function (PolyPhen-2) suggests that this variant is likely to be tolerated. In summary, the available evidence is currently insufficient to determine the role of this variant in disease. Therefore, it has been classified as a Variant of Uncertain Significance.